The following is an entry in ClinVar:

ClinVar aggregate classification (germline): Uncertain significance. Review status: criteria provided, multiple submitters, no conflicts (2 of 4 stars). 2 submissions from 2 submitters: Uncertain significance (2). Last evaluated 2024-08-22.

Conditions:
Focal segmental glomerulosclerosis 2 (FSGS2). Identifiers: Orphanet 656, MedGen C1858915, MONDO:0011390, OMIM 603965.

gnomAD v4.1: 8 of 1,614,008 alleles (0.0005%); highest among the groups gnomAD compares: Admixed American, 0.0033%; no homozygotes.

Submissions (2):

Clinical Genomics Laboratory, Washington University in St. Louis
Classification: Uncertain significance for Focal segmental glomerulosclerosis 2. Last evaluated: 2024-08-22. Review status: criteria provided, single submitter. Criteria: ACMG Guidelines, 2015. Collection method: clinical testing. Allele origin: germline.
Comment: A TRPC6 c.2339T>C (p.Leu780Pro) variant was identified. This variant has been reported in an individual with focal segmental glomerulosclerosis and has also been detected in some unaffected relatives, suggesting incomplete penetrance or variable expressivity of the phenotype (Santín S et al., PMID: 19458060). It is observed on 5/251,248 alleles in the general population (gnomAD v.2.1.1). This variant resides within the leucine zipper motif of TRPC6, a region crucial for its regulation (Liu X et al., PMID: 31936014; Hirschler-Laszkiewicz I et al., PMID: 21757714). Computational predictors indicate that the variant is damaging, evidence that correlates with impact on TRPC6 function. In support of this prediction, In vitro functional studies show that the TRPC6 c.2339T>C (p.Leu780Pro) variant reduces basal channel activity and calcium entry, suggesting that loss of function is one of the underlying disease mechanisms (Riehle M et al., PMID: 26892346; Batool L et al., PMID: 37615749; Chen X et al., PMID: 32872338). Due to limited information and based on ACMG/AMP guidelines for variant interpretation (Richards S et al., PMID: 25741868), the clinical significance of the TRPC6 c.2339T>C (p.Leu780Pro) variant is uncertain at this time.

Fulgent Genetics
Classification: Uncertain significance for Focal segmental glomerulosclerosis 2. Last evaluated: 2024-04-08. Review status: criteria provided, single submitter. Criteria: ACMG Guidelines, 2015. Collection method: clinical testing. Allele origin: germline.

NM_004621.6(TRPC6):c.2339T>C (p.Leu780Pro)

Gene: TRPC6 (transient receptor potential cation channel subfamily C member 6; minus strand). Cytogenetic location: 11q22.1.
Variant type: single nucleotide variant.
Coding change: c.2339T>C on transcript NM_004621.6 (MANE Select); coding-DNA position 2339, T replaced by C.
Protein change: p.Leu780Pro; replaces leucine 780 with proline.
Molecular consequence: missense variant.
Genome position (GRCh38, 1-based): chr11:101,471,253, A>G on the plus strand (T>C on the coding strand, the complement: TRPC6 is on the minus strand). VCF-style: chr11-101471253-A-G. GRCh37 (hg19) VCF-style: chr11-101341984-A-G.
Other names: short protein forms L780P.
Identifiers: ClinVar variation 3598787 (VCV003598787.2).